The following is an entry in ClinVar:

ClinVar aggregate classification (germline): Uncertain significance. Review status: criteria provided, multiple submitters, no conflicts (2 of 4 stars). 3 submissions from 3 submitters: Uncertain significance (3). Last evaluated 2025-10-21.

Conditions:
Immunodeficiency due to CD25 deficiency. Also called: CD25 DEFICIENCY; IL2RA DEFICIENCY; IMMUNODEFICIENCY 41 WITH LYMPHOPROLIFERATION AND AUTOIMMUNITY. Identifiers: Orphanet 169100, MedGen C1853392, MONDO:0011664, OMIM 606367.

Allele frequency attached by ClinVar (database versions not stated): TOPMed 0.00002.

Submissions (3):

Labcorp Genetics (formerly Invitae), Labcorp
Classification: Uncertain significance for Immunodeficiency due to CD25 deficiency. Last evaluated: 2025-10-21. Review status: criteria provided, single submitter. Criteria: Invitae Variant Classification Sherloc (09022015). Collection method: clinical testing. Allele origin: germline.
Comment: This sequence change replaces arginine, which is basic and polar, with glutamine, which is neutral and polar, at codon 88 of the IL2RA protein (p.Arg88Gln). This variant is present in population databases (rs139340259, gnomAD 0.01%). This variant has not been reported in the literature in individuals affected with IL2RA-related conditions. ClinVar contains an entry for this variant (Variation ID: 641669). Invitae Evidence Modeling of protein sequence and biophysical properties (such as structural, functional, and spatial information, amino acid conservation, physicochemical variation, residue mobility, and thermodynamic stability) indicates that this missense variant is not expected to disrupt IL2RA protein function with a negative predictive value of 80%. In summary, the available evidence is currently insufficient to determine the role of this variant in disease. Therefore, it has been classified as a Variant of Uncertain Significance.

Ambry Genetics
Classification: Uncertain significance. Last evaluated: 2021-07-06. Review status: criteria provided, single submitter. Criteria: Ambry Variant Classification Scheme 2023. Collection method: clinical testing. Allele origin: germline.

Blueprint Genetics
Classification: Uncertain significance. Last evaluated: 2020-01-24. Review status: criteria provided, single submitter. Criteria: ACMG Guidelines, 2015. Collection method: clinical testing. Allele origin: germline.

NM_000417.3(IL2RA):c.263G>A (p.Arg88Gln)

Gene: IL2RA (interleukin 2 receptor subunit alpha; minus strand). Cytogenetic location: 10p15.1.
Variant type: single nucleotide variant.
Coding change: c.263G>A on transcript NM_000417.3 (MANE Select); coding-DNA position 263, G replaced by A.
Protein change: p.Arg88Gln; replaces arginine 88 with glutamine.
Molecular consequence: missense variant.
Genome position (GRCh38, 1-based): chr10:6,024,348, C>T on the plus strand (G>A on the coding strand, the complement: IL2RA is on the minus strand). VCF-style: chr10-6024348-C-T. GRCh37 (hg19) VCF-style: chr10-6066311-C-T.
Other names: c.263G>A, p.Arg88Gln (NM_001308242.2, NM_001308243.2); short protein forms R88Q.
Identifiers: ClinVar variation 641669 (VCV000641669.10), dbSNP rs139340259, ClinGen allele CA5397505.